The following is an entry in ClinVar:

NM_025243.4(SLC19A3):c.1339G>A (p.Ala447Thr)

Gene: SLC19A3 (solute carrier family 19 member 3; minus strand). Cytogenetic location: 2q36.3.
Variant type: single nucleotide variant.
Coding change: c.1339G>A on transcript NM_025243.4 (MANE Select); coding-DNA position 1339, G replaced by A.
Protein change: p.Ala447Thr; replaces alanine 447 with threonine.
Molecular consequence: missense variant.
Genome position (GRCh38, 1-based): chr2:227,687,549, C>T on the plus strand (G>A on the coding strand, the complement: SLC19A3 is on the minus strand). VCF-style: chr2-227687549-C-T. GRCh37 (hg19) VCF-style: chr2-228552265-C-T.
Other names: short protein forms A447T.
Identifiers: ClinVar variation 655252 (VCV000655252.15), dbSNP rs754794859, ClinGen allele CA2149096.

ClinVar aggregate classification (germline): Conflicting classifications of pathogenicity. Review status: criteria provided, conflicting classifications (1 of 4 stars). 3 submissions from 3 submitters: Uncertain significance (2); Likely benign (1). Last evaluated 2025-12-23.

Conditions:
Biotin-responsive basal ganglia disease (BTBGD). Also called: Thiamine metabolism dysfunction syndrome type 2; Thiamine Transporter-2 Deficiency; thiamine-responsive encephalopathy; THIAMINE METABOLISM DYSFUNCTION SYNDROME 2 (BIOTIN- AND THIAMINE-RESPONSIVE TYPE); Thiamine metabolism dysfunction syndrome 2 (biotin- or thiamine-responsive encephalopathy type 2). Identifiers: Orphanet 199348, Orphanet 65284, MedGen C1843807, MONDO:0011841, OMIM 607483.

Allele frequency attached by ClinVar (database versions not stated): TOPMed 0.00002; gnomAD 0.00008 and 0.00009; ExAC 0.00010; gnomAD exomes 0.00011.

Submissions (3):

Labcorp Genetics (formerly Invitae), Labcorp
Classification: Likely benign for Biotin-responsive basal ganglia disease. Last evaluated: 2025-12-23. Review status: criteria provided, single submitter. Criteria: Invitae Variant Classification Sherloc (09022015). Collection method: clinical testing. Allele origin: germline.

Athena Diagnostics
Classification: Uncertain significance. Last evaluated: 2025-05-06. Review status: criteria provided, single submitter. Criteria: Athena Diagnostics Criteria. Collection method: clinical testing. Allele origin: unknown.
Comment: Available data are insufficient to determine the clinical significance of the variant at this time. The frequency of this variant in the general population is uninformative in assessment of its pathogenicity. Polyphen and MutationTaster predict this amino acid change may be benign.

GeneDx
Classification: Uncertain significance. Last evaluated: 2021-06-24. Review status: criteria provided, single submitter. Criteria: GeneDx Variant Classification Process June 2021. Collection method: clinical testing. Allele origin: germline. Affected: yes.
Comment: In silico analysis supports that this missense variant does not alter protein structure/function; Has not been previously published as pathogenic or benign to our knowledge; This variant is associated with the following publications: (PMID: 27535533)

Literature cited by the submitters: PubMed 31440721 (cited by Athena Diagnostics).